The following is an entry in ClinVar:

ClinVar aggregate classification (germline): Uncertain significance (1 of 4 stars; one submission).

Allele frequency attached by ClinVar (database versions not stated): gnomAD exomes below 0.00001.
gnomAD v4.1: 1 of 1,613,920 alleles (0.000062%); highest among the groups gnomAD compares: South Asian, 0.0011%; no homozygotes.

Submission:

Labcorp Genetics (formerly Invitae), Labcorp
Classification: Uncertain significance. Last evaluated: 2019-10-24. Review status: criteria provided, single submitter. Criteria: Invitae Variant Classification Sherloc (09022015). Collection method: clinical testing. Allele origin: germline.
Comment: This sequence change replaces isoleucine with leucine at codon 5448 of the ADGRV1 protein (p.Ile5448Leu). The isoleucine residue is moderately conserved and there is a small physicochemical difference between isoleucine and leucine. This variant is not present in population databases (ExAC no frequency). This variant has not been reported in the literature in individuals with ADGRV1-related conditions. Algorithms developed to predict the effect of missense changes on protein structure and function (SIFT, PolyPhen-2, Align-GVGD) all suggest that this variant is likely to be tolerated, but these predictions have not been confirmed by published functional studies and their clinical significance is uncertain. In summary, the available evidence is currently insufficient to determine the role of this variant in disease. Therefore, it has been classified as a Variant of Uncertain Significance.

NM_032119.4(ADGRV1):c.16342A>C (p.Ile5448Leu)

Gene: ADGRV1 (adhesion G protein-coupled receptor V1; plus strand). Cytogenetic location: 5q14.3.
Variant type: single nucleotide variant.
Coding change: c.16342A>C on transcript NM_032119.4 (MANE Select); coding-DNA position 16342, A replaced by C.
Protein change: p.Ile5448Leu; replaces isoleucine 5448 with leucine.
Molecular consequence: missense variant. On other transcripts: non-coding transcript variant (1).
Genome position (GRCh38, 1-based): chr5:90,823,570, A>C. VCF-style: chr5-90823570-A-C. GRCh37 (hg19) VCF-style: chr5-90119387-A-C.
Other names: short protein forms I5448L.
Identifiers: ClinVar variation 968091 (VCV000968091.9), dbSNP rs1187271869, ClinGen allele CA360425731.